The following is an entry in ClinVar:

ClinVar aggregate classification (germline): Uncertain significance (1 of 4 stars; one submission).

gnomAD v4.1: 6 of 1,612,994 alleles (0.00037%); highest among the groups gnomAD compares: Non-Finnish European, 0.00051%; no homozygotes.

Submission:

Labcorp Genetics (formerly Invitae), Labcorp
Classification: Uncertain significance. Last evaluated: 2026-01-21. Review status: criteria provided, single submitter. Criteria: Invitae Variant Classification Sherloc (09022015). Collection method: clinical testing. Allele origin: germline.
Comment: This sequence change replaces proline, which is neutral and non-polar, with histidine, which is basic and polar, at codon 464 of the COL11A1 protein (p.Pro464His). This variant is present in population databases (no rsID available, gnomAD 0.0009%). This variant has not been reported in the literature in individuals affected with COL11A1-related conditions. Invitae Evidence Modeling of protein sequence and biophysical properties (such as structural, functional, and spatial information, amino acid conservation, physicochemical variation, residue mobility, and thermodynamic stability) indicates that this missense variant is not expected to disrupt COL11A1 protein function with a negative predictive value of 80%. In summary, the available evidence is currently insufficient to determine the role of this variant in disease. Therefore, it has been classified as a Variant of Uncertain Significance.

NM_001854.4(COL11A1):c.1391C>A (p.Pro464His)

Gene: COL11A1 (collagen type XI alpha 1 chain; minus strand). Cytogenetic location: 1p21.1.
Variant type: single nucleotide variant.
Coding change: c.1391C>A on transcript NM_001854.4 (MANE Select); coding-DNA position 1391, C replaced by A.
Protein change: p.Pro464His; replaces proline 464 with histidine.
Molecular consequence: missense variant. On other transcripts: non-coding transcript variant (1).
Genome position (GRCh38, 1-based): chr1:103,017,842, G>T on the plus strand (C>A on the coding strand, the complement: COL11A1 is on the minus strand). VCF-style: chr1-103017842-G-T. GRCh37 (hg19) VCF-style: chr1-103483398-G-T.
Other names: c.1274C>A, p.Pro425His (NM_001190709.2); c.1427C>A, p.Pro476His (NM_080629.3); c.1043C>A, p.Pro348His (NM_080630.4); short protein forms P348H, P425H, P464H, P476H.
Identifiers: ClinVar variation 4812238 (VCV004812238.1).